The following is an entry in ClinVar:

ClinVar aggregate classification (germline): Uncertain significance. Review status: criteria provided, multiple submitters, no conflicts (2 of 4 stars). 2 submissions from 2 submitters: Uncertain significance (2). Last evaluated 2023-12-05.

Conditions:
Fanconi anemia complementation group J. Also called: BRIP1-Related Fanconi Anemia. Identifiers: Orphanet 84, MedGen C1836860, MONDO:0012187, OMIM 609054.
Familial cancer of breast. Also called: BREAST CANCER, FAMILIAL; hereditary breast carcinoma; Hereditary breast cancer. Identifiers: Orphanet 227535, MedGen C0346153, MONDO:0016419, OMIM 114480. Disease mechanism: loss of function.
Hereditary cancer-predisposing syndrome. Also called: Tumor predisposition; Neoplastic Syndromes, Hereditary; Hereditary Cancer Syndrome; Hereditary neoplastic syndrome. Identifiers: Orphanet 140162, MedGen C0027672, MeSH D009386, MONDO:0015356.

Submissions (2):

Color Diagnostics, LLC DBA Color Health
Classification: Uncertain significance for Hereditary cancer-predisposing syndrome. Last evaluated: 2023-12-05. Review status: criteria provided, single submitter. Criteria: ACMG Guidelines, 2015. Collection method: clinical testing. Allele origin: germline.
Comment: This missense variant replaces proline with arginine at codon 129 of the BRIP1 protein. Computational prediction suggests that this variant may not impact protein structure and function (internally defined REVEL score threshold <= 0.5, PMID: 27666373). To our knowledge, functional studies have not been reported for this variant. This variant has not been reported in individuals affected with BRIP1-related disorders in the literature. This variant has not been identified in the general population by the Genome Aggregation Database (gnomAD). The available evidence is insufficient to determine the role of this variant in disease conclusively. Therefore, this variant is classified as a Variant of Uncertain Significance.

Labcorp Genetics (formerly Invitae), Labcorp
Classification: Uncertain significance for Familial cancer of breast; Fanconi anemia complementation group J. Last evaluated: 2022-06-03. Review status: criteria provided, single submitter. Criteria: Invitae Variant Classification Sherloc (09022015). Collection method: clinical testing. Allele origin: germline.
Comment: This sequence change replaces proline, which is neutral and non-polar, with arginine, which is basic and polar, at codon 129 of the BRIP1 protein (p.Pro129Arg). This variant is not present in population databases (gnomAD no frequency). This variant has not been reported in the literature in individuals affected with BRIP1-related conditions. ClinVar contains an entry for this variant (Variation ID: 491472). Algorithms developed to predict the effect of missense changes on protein structure and function (SIFT, PolyPhen-2, Align-GVGD) all suggest that this variant is likely to be tolerated. Algorithms developed to predict the effect of sequence changes on RNA splicing suggest that this variant may create or strengthen a splice site. In summary, the available evidence is currently insufficient to determine the role of this variant in disease. Therefore, it has been classified as a Variant of Uncertain Significance.

NM_032043.3(BRIP1):c.386C>G (p.Pro129Arg)

Gene: BRIP1 (BRCA1 interacting DNA helicase 1; minus strand). Cytogenetic location: 17q23.2.
Variant type: single nucleotide variant.
Coding change: c.386C>G on transcript NM_032043.3 (MANE Select); coding-DNA position 386, C replaced by G.
Protein change: p.Pro129Arg; replaces proline 129 with arginine.
Molecular consequence: missense variant.
Genome position (GRCh38, 1-based): chr17:61,849,250, G>C on the plus strand (C>G on the coding strand, the complement: BRIP1 is on the minus strand). VCF-style: chr17-61849250-G-C. GRCh37 (hg19) VCF-style: chr17-59926611-G-C.
Other names: short protein forms P129R.
Identifiers: ClinVar variation 491472 (VCV000491472.11), dbSNP rs587780831, ClinGen allele CA400484604.